The following is an entry in ClinVar:

NM_032901.4(COX14):c.160T>C (p.Ser54Pro)

Gene: COX14 (cytochrome c oxidase assembly factor COX14; plus strand). Cytogenetic location: 12q13.12.
Variant type: single nucleotide variant.
Coding change: c.160T>C on transcript NM_032901.4 (MANE Select); coding-DNA position 160, T replaced by C.
Protein change: p.Ser54Pro; replaces serine 54 with proline.
Molecular consequence: missense variant.
Genome position (GRCh38, 1-based): chr12:50,120,203, T>C. VCF-style: chr12-50120203-T-C. GRCh37 (hg19) VCF-style: chr12-50513986-T-C.
Other names: c.160T>C, p.Ser54Pro (NM_001257133.2, NM_001257134.2); short protein forms S54P.
Identifiers: ClinVar variation 1480415 (VCV001480415.7), dbSNP rs778925220, ClinGen allele CA6561896.
Genomic context (GRCh38, chr12:50,120,203, plus strand): 5'-GTCTACCACTATTTCCAGTGGCGCAGGGCCCAGCGCCAGGCCGCAGAAGAACAGAAGACC[T>C]CAGGAATCATGTAGAACTGGGGGGCTTTTTCTCCTGAGCAGAGAGGCCCAAGGCATGCTG-3'
Protein context (NP_116290.1, residues 44-57): QRQAAEEQKT[Ser54Pro]GIM

ClinVar aggregate classification (germline): Uncertain significance. Review status: criteria provided, multiple submitters, no conflicts (2 of 4 stars). 2 submissions from 2 submitters: Uncertain significance (2). Last evaluated 2022-07-18.

Conditions:
Mitochondrial complex IV deficiency, nuclear type 10. Also called: Mitochondrial complex 4 deficiency, nuclear type 10. Identifiers: MedGen C5436692, MONDO:0033639, OMIM 619053.

Allele frequency attached by ClinVar (database versions not stated): gnomAD exomes below 0.00001 and 0.00001; ExAC 0.00002.
gnomAD v4.1: 4 of 1,613,844 alleles (0.00025%); highest among the groups gnomAD compares: East Asian, 0.0067%; no homozygotes.

Submissions (2):

Labcorp Genetics (formerly Invitae), Labcorp
Classification: Uncertain significance. Last evaluated: 2022-07-18. Review status: criteria provided, single submitter. Criteria: Invitae Variant Classification Sherloc (09022015). Collection method: clinical testing. Allele origin: germline.
Comment: This variant has not been reported in the literature in individuals affected with COX14-related conditions. This variant is present in population databases (rs778925220, gnomAD 0.02%). This sequence change replaces serine, which is neutral and polar, with proline, which is neutral and non-polar, at codon 54 of the COX14 protein (p.Ser54Pro). ClinVar contains an entry for this variant (Variation ID: 1480415). In summary, the available evidence is currently insufficient to determine the role of this variant in disease. Therefore, it has been classified as a Variant of Uncertain Significance. Algorithms developed to predict the effect of missense changes on protein structure and function output the following: SIFT: "Deleterious"; PolyPhen-2: "Possibly Damaging"; Align-GVGD: "Class C0". The proline amino acid residue is found in multiple mammalian species, which suggests that this missense change does not adversely affect protein function.

Fulgent Genetics
Classification: Uncertain significance for Mitochondrial complex IV deficiency, nuclear type 10. Last evaluated: 2022-02-11. Review status: criteria provided, single submitter. Criteria: ACMG Guidelines, 2015. Collection method: clinical testing. Allele origin: unknown.